The following is an entry in ClinVar:

ClinVar aggregate classification (germline): Pathogenic (1 of 4 stars; one submission).

Conditions:
Hereditary cancer-predisposing syndrome. Also called: Hereditary Cancer Syndrome; Hereditary neoplastic syndrome; Neoplastic Syndromes, Hereditary; Tumor predisposition. Identifiers: Orphanet 140162, MedGen C0027672, MeSH D009386, MONDO:0015356.

Submission:

Ambry Genetics
Classification: Pathogenic for Hereditary cancer-predisposing syndrome. Last evaluated: 2021-06-04. Review status: criteria provided, single submitter. Criteria: Ambry Variant Classification Scheme 2023. Collection method: clinical testing. Allele origin: germline.
Comment: The c.422delA pathogenic mutation, located in coding exon 6 of the BAP1 gene, results from a deletion of one nucleotide at nucleotide position 422, causing a translational frameshift with a predicted alternate stop codon (p.H141Lfs*46). This alteration is expected to result in loss of function by premature protein truncation or nonsense-mediated mRNA decay. As such, this alteration is interpreted as a disease-causing mutation.

NM_004656.4(BAP1):c.422del (p.His141fs)

Gene: BAP1 (BRCA1 associated deubiquitinase 1; minus strand). Cytogenetic location: 3p21.1.
Variant type: Deletion.
Coding change: c.422del on transcript NM_004656.4 (MANE Select); coding-DNA position 422, one base deleted (A; older notation c.422delA).
Protein change: p.His141fs; shifts the reading frame from histidine 141.
Molecular consequence: frameshift variant.
Genome position (GRCh38, 1-based): chr3:52,407,414, T deleted on the plus strand (A on the coding strand, the reverse complement: BAP1 is on the minus strand). VCF-style (leftmost placement, unchanged base first): chr3-52407413-AT-A. GRCh37 (hg19) VCF-style: chr3-52441429-AT-A.
Other names: c.422delA, p.His141Leufs (NM_001410772.1); short protein forms H141fs.
Identifiers: ClinVar variation 1738886 (VCV001738886.2), dbSNP rs2471351494, ClinGen allele CA2580070201.
Genomic context (GRCh38, chr3:52,407,413, plus strand): 5'-CTCCCCCTACTCCCACCCCACATCAGCTCCCACAGCTCCCACACACCTGGCATGGCTATT[AT>A]GGGCCTTGGCCAACTCCGGGGCATTGCCAATCGCATATCCTTTGCTCTACGGGGAAGAAA-3'